The following is an entry in ClinVar:

NM_001105206.3(LAMA4):c.693C>T (p.Asp231=)

Gene: LAMA4 (laminin subunit alpha 4; minus strand). Cytogenetic location: 6q21.
Variant type: single nucleotide variant.
Coding change: c.693C>T on transcript NM_001105206.3 (MANE Select); coding-DNA position 693, C replaced by T.
Protein change: p.Asp231=; no amino-acid change (aspartic acid 231 retained).
Molecular consequence: synonymous variant.
Genome position (GRCh38, 1-based): chr6:112,191,661, G>A on the plus strand (C>T on the coding strand, the complement: LAMA4 is on the minus strand). VCF-style: chr6-112191661-G-A. GRCh37 (hg19) VCF-style: chr6-112512863-G-A.
Other names: c.693C>T, p.Asp231= (NM_001105207.3, NM_002290.5); c.693C>T (NM_002290.3).
Identifiers: ClinVar variation 1110518 (VCV001110518.33), dbSNP rs370231631, ClinGen allele CA3966083.

ClinVar aggregate classification (germline): Likely benign. Review status: criteria provided, multiple submitters, no conflicts (2 of 4 stars). 3 submissions from 3 submitters: Likely benign (3). Last evaluated 2025-12-19.

Conditions:
Cardiovascular phenotype. Identifiers: MedGen CN230736.
Dilated cardiomyopathy 1JJ (CMD1JJ). Identifiers: Orphanet 154, MedGen C3808935, MONDO:0014095, OMIM 615235.

Allele frequency attached by ClinVar (database versions not stated): gnomAD exomes 0.00001 and 0.00002; ExAC 0.00002; gnomAD 0.00003 and 0.00004; TOPMed 0.00003; ESP Exome Variant Server 0.00008.

Submissions (3):

Labcorp Genetics (formerly Invitae), Labcorp
Classification: Likely benign for Dilated cardiomyopathy 1JJ. Last evaluated: 2025-12-19. Review status: criteria provided, single submitter. Criteria: Invitae Variant Classification Sherloc (09022015). Collection method: clinical testing. Allele origin: germline.

Ambry Genetics
Classification: Likely benign for Cardiovascular phenotype. Last evaluated: 2023-11-12. Review status: criteria provided, single submitter. Criteria: Ambry Variant Classification Scheme 2023. Collection method: clinical testing. Allele origin: germline.

CeGaT Center for Human Genetics Tuebingen
Classification: Likely benign. Last evaluated: 2023-04-01. Review status: criteria provided, single submitter. Criteria: CeGaT Center For Human Genetics Tuebingen Variant Classification Criteria Version 2. Collection method: clinical testing. Allele origin: germline. Affected: yes. Observed: 1 variant allele.
Comment: LAMA4: BP4, BP7